The following is an entry in ClinVar:

ClinVar aggregate classification (germline): Uncertain significance (1 of 4 stars; one submission).

Allele frequency attached by ClinVar (database versions not stated): ExAC 0.00001; gnomAD 0.00001; TOPMed 0.00001; gnomAD exomes 0.00002; ESP Exome Variant Server 0.00008.
gnomAD v4.1: 15 of 1,608,110 alleles (0.00093%); highest among the groups gnomAD compares: East Asian, 0.0022%; no homozygotes.

Submission:

Labcorp Genetics (formerly Invitae), Labcorp
Classification: Uncertain significance. Last evaluated: 2022-08-21. Review status: criteria provided, single submitter. Criteria: Invitae Variant Classification Sherloc (09022015). Collection method: clinical testing. Allele origin: germline.
Comment: This sequence change replaces glutamic acid, which is acidic and polar, with lysine, which is basic and polar, at codon 300 of the MDH2 protein (p.Glu300Lys). This variant is present in population databases (rs373091398, gnomAD 0.006%). This variant has not been reported in the literature in individuals affected with MDH2-related conditions. ClinVar contains an entry for this variant (Variation ID: 1474157). Algorithms developed to predict the effect of missense changes on protein structure and function (SIFT, PolyPhen-2, Align-GVGD) all suggest that this variant is likely to be tolerated. In summary, the available evidence is currently insufficient to determine the role of this variant in disease. Therefore, it has been classified as a Variant of Uncertain Significance.

NM_005918.4(MDH2):c.898G>A (p.Glu300Lys)

Gene: MDH2 (malate dehydrogenase 2; plus strand). Cytogenetic location: 7q11.23.
Variant type: single nucleotide variant.
Coding change: c.898G>A on transcript NM_005918.4 (MANE Select); coding-DNA position 898, G replaced by A.
Protein change: p.Glu300Lys; replaces glutamic acid 300 with lysine.
Molecular consequence: missense variant.
Genome position (GRCh38, 1-based): chr7:76,066,291, G>A. VCF-style: chr7-76066291-G-A. GRCh37 (hg19) VCF-style: chr7-75695609-G-A.
Other names: c.772G>A, p.Glu258Lys (NM_001282403.2); c.577G>A, p.Glu193Lys (NM_001282404.2); short protein forms E258K, E300K, E193K.
Identifiers: ClinVar variation 1474157 (VCV001474157.3), dbSNP rs373091398, ClinGen allele CA4305765.